The following is an entry in ClinVar:

ClinVar aggregate classification (germline): Uncertain significance (0 of 4 stars; one submission).

Submission:

Institute of Human Genetics, University of Goettingen
Classification: Uncertain significance. Last evaluated: 2017-01-09. Review status: no assertion criteria provided. Collection method: clinical testing. Allele origin: unknown. Affected: yes. Observed: 1 variant allele.
Comment: similar CNVs in ISCA (e.g. nssv580367, nssv576398, nssv581984) are also assessed as variant unknown significance

GRCh37/hg19 13q31.3(chr13:92065660-92299019)x1

Gene: GPC5 (glypican 5; plus strand). Cytogenetic location: 13q31.3.
Variant type: copy number loss.
Change: copy number 1 (one copy instead of two) of chr13:92,065,660-92,299,019 (233.4 kb, GRCh37 coordinates, 1-based), cytogenetic band 13q31.3.
Identifiers: ClinVar variation 393586 (VCV000393586.4).